The following is an entry in ClinVar:

NM_000441.2(SLC26A4):c.839del (p.Val280fs)

Gene: SLC26A4 (solute carrier family 26 member 4; plus strand). Cytogenetic location: 7q22.3.
Variant type: Deletion.
Coding change: c.839del on transcript NM_000441.2 (MANE Select); coding-DNA position 839, one base deleted (T; older notation c.839delT).
Protein change: p.Val280fs; shifts the reading frame from valine 280.
Molecular consequence: frameshift variant.
Genome position (GRCh38, 1-based): chr7:107,683,275, T deleted. VCF-style (leftmost placement, unchanged base first): chr7-107683274-GT-G. GRCh37 (hg19) VCF-style: chr7-107323719-GT-G.
Other names: c.839delT (NM_000441.1); c.839del (NM_000441.1); short protein forms V280fs.
Identifiers: ClinVar variation 2678909 (VCV002678909.6), dbSNP rs2535310165, ClinGen allele CA2578988662.

ClinVar aggregate classification (germline): Pathogenic/Likely pathogenic. Review status: criteria provided, multiple submitters, no conflicts (2 of 4 stars). 4 submissions from 4 submitters: Pathogenic (1); Likely pathogenic (2). 1 of the submissions does not count toward it. Last evaluated 2025-12-16.

Conditions:
Pendred syndrome (PDS). Also called: Pendred's syndrome; THYROID DYSHORMONOGENESIS 2B; THYROID HORMONOGENESIS, GENETIC DEFECT IN, 2B; Pendred Syndrome (PDS); DEAFNESS WITH GOITER; GOITER-DEAFNESS SYNDROME. Identifiers: Orphanet 705, MedGen C0271829, MONDO:0010134, OMIM 274600.
SLC26A4-related disorder. Also called: SLC26A4-related condition; SLC26A4-related disorders.
Autosomal recessive nonsyndromic hearing loss 4 (DFNB4). Also called: Deafness, autosomal recessive 4, with enlarged vestibular aqueduct; FOXI1-Related Pendred Syndrome; KCNJ10-Related Pendred Syndrome; NEUROSENSORY NONSYNDROMIC RECESSIVE DEAFNESS 4; Deafness, autosomal recessive 4; Enlarged vestibular aqueduct, digenic. Identifiers: Orphanet 90636, MedGen C3538946, MONDO:0010933, OMIM 600791.

Submissions (4):

Labcorp Genetics (formerly Invitae), Labcorp
Classification: Pathogenic. Last evaluated: 2025-12-16. Review status: criteria provided, single submitter. Criteria: Invitae Variant Classification Sherloc (09022015). Collection method: clinical testing. Allele origin: germline.
Comment: This sequence change creates a premature translational stop signal (p.Val280Alafs*9) in the SLC26A4 gene. It is expected to result in an absent or disrupted protein product. Loss-of-function variants in SLC26A4 are known to be pathogenic (PMID: 16283880, 25394566, 26252218, 26445815). This variant is not present in population databases (gnomAD no frequency). This variant has not been reported in the literature in individuals affected with SLC26A4-related conditions. ClinVar contains an entry for this variant (Variation ID: 2678909). Algorithms developed to predict the effect of sequence changes on RNA splicing suggest that this variant may disrupt the consensus splice site. For these reasons, this variant has been classified as Pathogenic.

Natera, Inc.
Classification: Likely pathogenic for Pendred syndrome. Last evaluated: 2024-10-06. Review status: criteria provided, single submitter. Criteria: Natera Variant Classification Schema (03/2026). Collection method: clinical testing. Allele origin: germline.
Comment: The c.839del variant in SLC26A4 is a frameshift variant predicted to shift the reading frame beginning at codon 280 and leads to a stop codon 9 codons downstream. This variant is expected to result in nonsense mediated decay, truncation, or a dysfunctional protein product. This variant is rare in the general population with a frequency below the threshold expected for the associated phenotype(s). Given the available evidence, this variant is classified as Likely Pathogenic.

Baylor Genetics
Classification: Likely pathogenic for Autosomal recessive nonsyndromic hearing loss 4. Last evaluated: 2023-09-03. Review status: criteria provided, single submitter. Criteria: ACMG Guidelines, 2015. Collection method: clinical testing. Allele origin: unknown.

PreventionGenetics, part of Exact Sciences
Classification: Likely pathogenic for SLC26A4-related condition. Last evaluated: 2024-08-01. Review status: no assertion criteria provided. Collection method: clinical testing. Allele origin: germline. Not counted in ClinVar's aggregate classification.
Comment: The SLC26A4 c.839delT variant is predicted to result in a frameshift and premature protein termination (p.Val280Alafs*9). This variant has not been reported in the literature or in a large population database, indicating this variant is rare. Frameshift variants in SLC26A4 are expected to be pathogenic. This variant is interpreted as likely pathogenic.

Literature cited by the submitters: PubMed 16283880 (cited by Labcorp Genetics (formerly Invitae), Labcorp); PubMed 25394566 (cited by Labcorp Genetics (formerly Invitae), Labcorp); PubMed 26252218 (cited by Labcorp Genetics (formerly Invitae), Labcorp); PubMed 26445815 (cited by Labcorp Genetics (formerly Invitae), Labcorp).